The following is an entry in ClinVar:

ClinVar aggregate classification (germline): Uncertain significance. Review status: criteria provided, multiple submitters, no conflicts (2 of 4 stars). 4 submissions from 4 submitters: Uncertain significance (4). Last evaluated 2024-11-20.

Conditions:
Inborn genetic diseases. Identifiers: MedGen C0950123, MeSH D030342.

Allele frequency attached by ClinVar (database versions not stated): gnomAD 0.00002; gnomAD exomes 0.00002 and 0.00004; ExAC 0.00003; TOPMed 0.00004.
gnomAD v4.1: 35 of 1,614,174 alleles (0.0022%); highest among the groups gnomAD compares: Middle Eastern, 0.016%; no homozygotes.

Submissions (4):

Ambry Genetics
Classification: Uncertain significance for Inborn genetic diseases. Last evaluated: 2024-11-20. Review status: criteria provided, single submitter. Criteria: Ambry Variant Classification Scheme 2023. Collection method: clinical testing. Allele origin: germline.

Women's Health and Genetics/Laboratory Corporation of America, LabCorp
Classification: Uncertain significance. Last evaluated: 2023-02-04. Review status: criteria provided, single submitter. Criteria: LabCorp Variant Classification Summary - May 2015. Collection method: clinical testing. Allele origin: germline.
Comment: Variant summary: LAMC3 c.4159G>A (p.Ala1387Thr) results in a non-conservative amino acid change in the encoded protein sequence. Four of five in-silico tools predict a damaging effect of the variant on protein function. The variant allele was found at a frequency of 4e-05 in 251280 control chromosomes (gnomAD). To our knowledge, no occurrence of c.4159G>A in individuals affected with Occipital Pachygyria And Polymicrogyria and no experimental evidence demonstrating its impact on protein function have been reported. One ClinVar submitter has assessed the variant since 2014: the variant was classified as uncertain significance. Based on the evidence outlined above, the variant was classified as uncertain significance.

Labcorp Genetics (formerly Invitae), Labcorp
Classification: Uncertain significance. Last evaluated: 2022-11-01. Review status: criteria provided, single submitter. Criteria: Invitae Variant Classification Sherloc (09022015). Collection method: clinical testing. Allele origin: germline.
Comment: This sequence change replaces alanine, which is neutral and non-polar, with threonine, which is neutral and polar, at codon 1387 of the LAMC3 protein (p.Ala1387Thr). This variant is present in population databases (rs769688460, gnomAD 0.01%). This variant has not been reported in the literature in individuals affected with LAMC3-related conditions. ClinVar contains an entry for this variant (Variation ID: 1485171). Algorithms developed to predict the effect of missense changes on protein structure and function (SIFT, PolyPhen-2, Align-GVGD) all suggest that this variant is likely to be tolerated. In summary, the available evidence is currently insufficient to determine the role of this variant in disease. Therefore, it has been classified as a Variant of Uncertain Significance.

Blueprint Genetics
Classification: Uncertain significance. Last evaluated: 2020-06-04. Review status: criteria provided, single submitter. Criteria: ACMG Guidelines, 2015. Collection method: clinical testing. Allele origin: germline.

NM_006059.4(LAMC3):c.4159G>A (p.Ala1387Thr)

Gene: LAMC3 (laminin subunit gamma 3; plus strand). Cytogenetic location: 9q34.12.
Variant type: single nucleotide variant.
Coding change: c.4159G>A on transcript NM_006059.4 (MANE Select); coding-DNA position 4159, G replaced by A.
Protein change: p.Ala1387Thr; replaces alanine 1387 with threonine.
Molecular consequence: missense variant.
Genome position (GRCh38, 1-based): chr9:131,085,652, G>A. VCF-style: chr9-131085652-G-A. GRCh37 (hg19) VCF-style: chr9-133961039-G-A.
Other names: c.4159G>A (NM_006059.3); short protein forms A1387T.
Identifiers: ClinVar variation 1485171 (VCV001485171.6), dbSNP rs769688460, ClinGen allele CA5288065.
Genomic context (GRCh38, chr9:131,085,652, plus strand): 5'-GACAGACTCCTTGCAGACACGAGAAAGAAGACCAAGCAGGCGGAGAGGATGCTGGGAAAC[G>A]CGGCCCCTCTTTCCTCCAGTGCCAAGAAGAAGGGCAGAGAAGCAGAGGTGTTGGCCAAGG-3'
Protein context (NP_006050.3, residues 1377-1397): TKQAERMLGN[Ala1387Thr]APLSSSAKKK